The following is an entry in ClinVar:

ClinVar aggregate classification (germline): Likely benign (1 of 4 stars; one submission).

Submission:

Women's Health and Genetics/Laboratory Corporation of America, LabCorp
Classification: Likely benign. Last evaluated: 2025-01-03. Review status: criteria provided, single submitter. Criteria: LabCorp Variant Classification Summary - May 2015. Collection method: clinical testing. Allele origin: germline.
Comment: Variant summary: NPRL2 c.79-19T>C alters a non-conserved nucleotide located at a position not widely known to affect splicing. Consensus agreement among computation tools predict no significant impact on normal splicing. However, these predictions have yet to be confirmed by functional studies. The variant was absent in 250664 control chromosomes. The available data on variant occurrences in the general population are insufficient to allow any conclusion about variant significance. To our knowledge, no occurrence of c.79-19T>C in individuals affected with Epilepsy, Familial Focal, With Variable Foci 2 and no experimental evidence demonstrating its impact on protein function have been reported. No submitters have cited clinical-significance assessments for this variant to ClinVar. Based on the evidence outlined above, the variant was classified as likely benign.

NM_006545.5(NPRL2):c.79-19T>C

Gene: NPRL2 (NPR2 like, GATOR1 complex subunit; minus strand). Cytogenetic location: 3p21.31.
Variant type: single nucleotide variant.
Coding change: c.79-19T>C on transcript NM_006545.5 (MANE Select); 19 bases into the intron before coding-DNA position 79, T replaced by C.
Molecular consequence: intron variant.
Genome position (GRCh38, 1-based): chr3:50,350,041, A>G on the plus strand (T>C on the coding strand, the complement: NPRL2 is on the minus strand). VCF-style: chr3-50350041-A-G. GRCh37 (hg19) VCF-style: chr3-50387472-A-G.
Identifiers: ClinVar variation 3769287 (VCV003769287.2).
Genomic context (GRCh38, chr3:50,350,041, plus strand): 5'-GACTGTGTCAAACAGCTCTCGGGAGATGAAGTCTTCAGGGACCTGGGGAGGGGAGTGGCA[A>G]TGGGCCCCTCAGTGGACATCTGTACTGGGTGTAGTACAAATGGTGACCTCCTCATGCCCC-3'